The following is an entry in ClinVar:

ClinVar aggregate classification (germline): Likely benign. Review status: criteria provided, multiple submitters, no conflicts (2 of 4 stars). 3 submissions from 3 submitters: Likely benign (3). Last evaluated 2025-10-12.

Allele frequency attached by ClinVar (database versions not stated): ExAC 0.00012; ESP Exome Variant Server 0.00015; gnomAD exomes 0.00018; TOPMed 0.00022; gnomAD 0.00024 and 0.00025.
gnomAD v4.1: 524 of 1,613,636 alleles (0.032%); highest among the groups gnomAD compares: Non-Finnish European, 0.04%; no homozygotes.

Submissions (3):

Labcorp Genetics (formerly Invitae), Labcorp
Classification: Likely benign. Last evaluated: 2025-10-12. Review status: criteria provided, single submitter. Criteria: Invitae Variant Classification Sherloc (09022015). Collection method: clinical testing. Allele origin: germline.

Blueprint Genetics
Classification: Likely benign. Last evaluated: 2023-11-22. Review status: criteria provided, single submitter. Criteria: ACMG Guidelines, 2015. Collection method: clinical testing. Allele origin: germline.

CeGaT Center for Human Genetics Tuebingen
Classification: Likely benign. Last evaluated: 2022-07-01. Review status: criteria provided, single submitter. Criteria: CeGaT Center For Human Genetics Tuebingen Variant Classification Criteria Version 2. Collection method: clinical testing. Allele origin: germline. Affected: yes. Observed: 1 variant allele.
Comment: DVL1: BP4, BP7

NM_001330311.2(DVL1):c.780C>T (p.His260=)

Gene: DVL1 (dishevelled segment polarity protein 1; minus strand). Cytogenetic location: 1p36.33.
Variant type: single nucleotide variant.
Coding change: c.780C>T on transcript NM_001330311.2 (MANE Select); coding-DNA position 780, C replaced by T.
Protein change: p.His260=; no amino-acid change (histidine 260 retained).
Molecular consequence: synonymous variant.
Genome position (GRCh38, 1-based): chr1:1,340,167, G>A on the plus strand (C>T on the coding strand, the complement: DVL1 is on the minus strand). VCF-style: chr1-1340167-G-A. GRCh37 (hg19) VCF-style: chr1-1275547-G-A.
Other names: c.780C>T, p.His260= (NM_004421.3).
Identifiers: ClinVar variation 736426 (VCV000736426.35), dbSNP rs143130884, ClinGen allele CA520412.
Genomic context (GRCh38, chr1:1,340,167, plus strand): 5'-AATGTAGATGCCGCCGTCTCCACGGTCGTTGCTCTGCCCCACGATGCTGATGCCCAGAAA[G>A]TGATGTCTTTCTGCAGGAAGAGCCATGAGCCGCGGCCAAGCCCCTGCCCCTGCCCCCAAC-3'
Protein context (NP_001317240.1, residues 250-270): VTVTLNMERH[His260=]FLGISIVGQS